The following is an entry in ClinVar:

ClinVar aggregate classification (germline): Uncertain significance. Review status: criteria provided, multiple submitters, no conflicts (2 of 4 stars). 2 submissions from 2 submitters: Uncertain significance (2). Last evaluated 2023-05-22.

Conditions:
Orofaciodigital syndrome type 6 (OFD6). Also called: Oral-facial-digital syndrome type 6; Central polydactyly cleft lip/palate or lingual lump and psychomotor retardation; Y-shaped central metacarpal and cerebellar defect; Joubert syndrome with orofacialdigital anomalies; OROFACIODIGITAL SYNDROME VI; OFDS VI. Identifiers: Orphanet 2754, MedGen C2745997, MONDO:0010176, OMIM 277170.
Joubert syndrome 17 (JBTS17). Identifiers: Orphanet 475, MedGen C3553264, MONDO:0013824, OMIM 614615.

Allele frequency attached by ClinVar (database versions not stated): gnomAD exomes below 0.00001; gnomAD 0.00002.
gnomAD v4.1: 5 of 1,612,866 alleles (0.00031%); highest among the groups gnomAD compares: African/African-American, 0.0053%; no homozygotes.

Submissions (2):

Labcorp Genetics (formerly Invitae), Labcorp
Classification: Uncertain significance. Last evaluated: 2023-05-22. Review status: criteria provided, single submitter. Criteria: Invitae Variant Classification Sherloc (09022015). Collection method: clinical testing. Allele origin: germline.
Comment: In summary, the available evidence is currently insufficient to determine the role of this variant in disease. Therefore, it has been classified as a Variant of Uncertain Significance. Advanced modeling of protein sequence and biophysical properties (such as structural, functional, and spatial information, amino acid conservation, physicochemical variation, residue mobility, and thermodynamic stability) performed at Invitae indicates that this missense variant is not expected to disrupt CPLANE1 protein function. ClinVar contains an entry for this variant (Variation ID: 1492633). This variant has not been reported in the literature in individuals affected with CPLANE1-related conditions. This variant is present in population databases (no rsID available, gnomAD 0.01%). This sequence change replaces proline, which is neutral and non-polar, with arginine, which is basic and polar, at codon 2521 of the CPLANE1 protein (p.Pro2521Arg).

Fulgent Genetics
Classification: Uncertain significance for Orofaciodigital syndrome type 6; Joubert syndrome 17. Last evaluated: 2021-10-19. Review status: criteria provided, single submitter. Criteria: ACMG Guidelines, 2015. Collection method: clinical testing. Allele origin: unknown.

NM_001384732.1(CPLANE1):c.7562C>G (p.Pro2521Arg)

Gene: CPLANE1 (ciliogenesis and planar polarity effector complex subunit 1; minus strand). Cytogenetic location: 5p13.2.
Variant type: single nucleotide variant.
Coding change: c.7562C>G on transcript NM_001384732.1 (MANE Select); coding-DNA position 7562, C replaced by G.
Protein change: p.Pro2521Arg; replaces proline 2521 with arginine.
Molecular consequence: missense variant.
Genome position (GRCh38, 1-based): chr5:37,164,299, G>C on the plus strand (C>G on the coding strand, the complement: CPLANE1 is on the minus strand). VCF-style: chr5-37164299-G-C. GRCh37 (hg19) VCF-style: chr5-37164401-G-C.
Other names: c.7562C>G, p.Pro2521Arg (NM_023073.4); short protein forms P2521R.
Identifiers: ClinVar variation 1492633 (VCV001492633.8), dbSNP rs922260468, ClinGen allele CA117050854.
Genomic context (GRCh38, chr5:37,164,299, plus strand): 5'-ACTTAGACATTACATTAATCATACACATACATACCAAAAGGAACGTCGAAGTCATCCAAA[G>C]GATGGGAACCACAATGTTCTTGTTGTTCCTAAATGAATTCCCACAGGATTACTCTATGAT-3'
Protein context (NP_001371661.1, residues 2511-2531): KEQQEHCGSH[Pro2521Arg]LDDFDVPFEM